The following is an entry in ClinVar:

ClinVar aggregate classification (germline): Pathogenic. Review status: criteria provided, multiple submitters, no conflicts (2 of 4 stars). 6 submissions from 6 submitters: Pathogenic (5). 1 of the submissions does not count toward it. Last evaluated 2024-04-30.

Conditions:
Retinitis pigmentosa 14 (RP14). Also called: RETINITIS PIGMENTOSA, JUVENILE, TULP1-RELATED. Identifiers: Orphanet 791, MedGen C1838603, MONDO:0010827, OMIM 600132.
TULP1-related disorder. Also called: TULP1-related disorders; TULP1-related condition.
Retinal dystrophy. Also called: Inherited retinal dystrophy. Identifiers: Orphanet 71862, MedGen C0854723, MeSH D058499, MONDO:0019118, HP:0000556.
Leber congenital amaurosis 15 (LCA15). Identifiers: Orphanet 65, MedGen C3151206, MONDO:0013457, OMIM 613843.

Allele frequency attached by ClinVar (database versions not stated): ExAC below 0.00001; gnomAD exomes below 0.00001 and 0.00001; TOPMed 0.00001.
gnomAD v4.1: 2 of 1,570,010 alleles (0.00013%); highest among the groups gnomAD compares: Admixed American, 0.0037%; no homozygotes.

Submissions (6):

Blueprint Genetics
Classification: Pathogenic for TULP1-related disorders. Last evaluated: 2024-04-30. Review status: criteria provided, single submitter. Criteria: ACMG Guidelines, 2015. Collection method: clinical testing. Allele origin: germline. Affected: yes. Observed: 3 variant alleles.

Fulgent Genetics
Classification: Pathogenic for Retinitis pigmentosa 14; Leber congenital amaurosis 15. Last evaluated: 2024-04-02. Review status: criteria provided, single submitter. Criteria: ACMG Guidelines, 2015. Collection method: clinical testing. Allele origin: germline.

Labcorp Genetics (formerly Invitae), Labcorp
Classification: Pathogenic. Last evaluated: 2024-01-24. Review status: criteria provided, single submitter. Criteria: Invitae Variant Classification Sherloc (09022015). Collection method: clinical testing. Allele origin: germline.
Comment: This sequence change creates a premature translational stop signal (p.Arg440*) in the TULP1 gene. It is expected to result in an absent or disrupted protein product. Loss-of-function variants in TULP1 are known to be pathogenic (PMID: 8606774, 10549638, 15024725, 18055821). This variant is present in population databases (rs751589956, gnomAD 0.007%). This premature translational stop signal has been observed in individual(s) with clinical features of TULP1-related conditions (PMID: 26047050, 31054281, 33781268). ClinVar contains an entry for this variant (Variation ID: 866967). For these reasons, this variant has been classified as Pathogenic.

3billion
Classification: Pathogenic for Retinitis pigmentosa 14. Last evaluated: 2024-01-12. Review status: criteria provided, single submitter. Criteria: ACMG Guidelines, 2015. Collection method: clinical testing. Allele origin: germline. Affected: yes.
Comment: The variant is observed at an extremely low frequency in the gnomAD v2.1.1 dataset (total allele frequency: 0.001%). Predicted Consequence/Location: Stop-gained (nonsense): predicted to result in a loss or disruption of normal protein function through nonsense-mediated decay (NMD) or protein truncation. Multiple pathogenic variants are reported downstream of the variant. The variant has been reported at least twice as pathogenic without evidence for the classification (ClinVar ID: VCV000866967 /PMID: 26047050). Therefore, this variant is classified as Pathogenic according to the recommendation of ACMG/AMP guideline.

Institute of Human Genetics, Univ. Regensburg, Univ. Regensburg
Classification: Pathogenic for Retinal dystrophy. Last evaluated: 2018-01-01. Review status: criteria provided, single submitter. Criteria: ACMG Guidelines, 2015. Collection method: clinical testing. Allele origin: germline. Affected: yes.

Laboratory of Genetics in Ophthalmology, Institut Imagine
Classification: Pathogenic for Leber congenital amaurosis 15. Review status: no assertion criteria provided. Collection method: research. Allele origin: inherited. Affected: yes. Observed: 1 variant allele. Not counted in ClinVar's aggregate classification.

Literature cited by the submitters: PubMed 8606774 (cited by Labcorp Genetics (formerly Invitae), Labcorp); PubMed 10549638 (cited by Labcorp Genetics (formerly Invitae), Labcorp); PubMed 15024725 (cited by Labcorp Genetics (formerly Invitae), Labcorp); PubMed 18055821 (cited by Labcorp Genetics (formerly Invitae), Labcorp); PubMed 26047050 (cited by 4 submitters); PubMed 31054281 (cited by Labcorp Genetics (formerly Invitae), Labcorp and Institute of Human Genetics, Univ. Regensburg, Univ. Regensburg); PubMed 33781268 (cited by Labcorp Genetics (formerly Invitae), Labcorp and Institute of Human Genetics, Univ. Regensburg, Univ. Regensburg); PubMed 31964843 (cited by Institute of Human Genetics, Univ. Regensburg, Univ. Regensburg); PubMed 34426522 (cited by Institute of Human Genetics, Univ. Regensburg, Univ. Regensburg).

NM_003322.6(TULP1):c.1318C>T (p.Arg440Ter)

Gene: TULP1 (TUB like protein 1; minus strand). Cytogenetic location: 6p21.31.
Variant type: single nucleotide variant.
Coding change: c.1318C>T on transcript NM_003322.6 (MANE Select); coding-DNA position 1318, C replaced by T.
Protein change: p.Arg440Ter; replaces arginine 440 with a stop codon.
Molecular consequence: nonsense.
Genome position (GRCh38, 1-based): chr6:35,503,564, G>A on the plus strand (C>T on the coding strand, the complement: TULP1 is on the minus strand). VCF-style: chr6-35503564-G-A. GRCh37 (hg19) VCF-style: chr6-35471341-G-A.
Other names: c.1159C>T, p.Arg387Ter (NM_001289395.2); short protein forms R387*, R440*.
Identifiers: ClinVar variation 866967 (VCV000866967.15), dbSNP rs751589956, ClinGen allele CA3772599.